The following is an entry in ClinVar:

NM_001851.6(COL9A1):c.2348G>A (p.Arg783His)

Gene: COL9A1 (collagen type IX alpha 1 chain; minus strand). Cytogenetic location: 6q13.
Variant type: single nucleotide variant.
Coding change: c.2348G>A on transcript NM_001851.6 (MANE Select); coding-DNA position 2348, G replaced by A.
Protein change: p.Arg783His; replaces arginine 783 with histidine.
Molecular consequence: missense variant. On other transcripts: non-coding transcript variant (1).
Genome position (GRCh38, 1-based): chr6:70,232,738, C>T on the plus strand (G>A on the coding strand, the complement: COL9A1 is on the minus strand). VCF-style: chr6-70232738-C-T. GRCh37 (hg19) VCF-style: chr6-70942441-C-T.
Other names: c.1649G>A, p.Arg550His (NM_001377289.1); c.1472G>A, p.Arg491His (NM_001377290.1); c.1619G>A, p.Arg540His (NM_078485.4); short protein forms R783H, R540H, R491H, R550H.
Identifiers: ClinVar variation 196973 (VCV000196973.37), dbSNP rs375684014, ClinGen allele CA244822.

ClinVar aggregate classification (germline): Uncertain significance. Review status: criteria provided, multiple submitters, no conflicts (2 of 4 stars). 4 submissions from 4 submitters: Uncertain significance (4). Last evaluated 2025-07-07.

Allele frequency attached by ClinVar (database versions not stated): TOPMed 0.00003; ExAC 0.00004; gnomAD 0.00005 and 0.00006; gnomAD exomes 0.00006 and 0.00011; ESP Exome Variant Server 0.00008.
gnomAD v4.1: 160 of 1,613,640 alleles (0.0099%); highest among the groups gnomAD compares: Non-Finnish European, 0.012%; 2 homozygotes.

Submissions (4):

Labcorp Genetics (formerly Invitae), Labcorp
Classification: Uncertain significance. Last evaluated: 2025-07-07. Review status: criteria provided, single submitter. Criteria: Invitae Variant Classification Sherloc (09022015). Collection method: clinical testing. Allele origin: germline.
Comment: This sequence change replaces arginine, which is basic and polar, with histidine, which is basic and polar, at codon 783 of the COL9A1 protein (p.Arg783His). This variant is present in population databases (rs375684014, gnomAD 0.02%). This variant has not been reported in the literature in individuals affected with COL9A1-related conditions. ClinVar contains an entry for this variant (Variation ID: 196973). Invitae Evidence Modeling of protein sequence and biophysical properties (such as structural, functional, and spatial information, amino acid conservation, physicochemical variation, residue mobility, and thermodynamic stability) indicates that this missense variant is not expected to disrupt COL9A1 protein function with a negative predictive value of 95%. In summary, the available evidence is currently insufficient to determine the role of this variant in disease. Therefore, it has been classified as a Variant of Uncertain Significance.

CeGaT Center for Human Genetics Tuebingen
Classification: Uncertain significance. Last evaluated: 2023-08-01. Review status: criteria provided, single submitter. Criteria: CeGaT Center For Human Genetics Tuebingen Variant Classification Criteria Version 2. Collection method: clinical testing. Allele origin: germline. Affected: yes. Observed: 1 variant allele.
Comment: COL9A1: PM2

GeneDx
Classification: Uncertain significance. Last evaluated: 2020-07-13. Review status: criteria provided, single submitter. Criteria: GeneDx Variant Classification Process June 2021. Collection method: clinical testing. Allele origin: germline. Affected: yes.
Comment: Has not been previously published as pathogenic or benign to our knowledge; In silico analysis, which includes protein predictors and evolutionary conservation, supports a deleterious effect; Reported in ClinVar as a variant of uncertain significance (ClinVar Variant ID# 196973; Landrum et al., 2016)

Eurofins Ntd Llc (ga)
Classification: Uncertain significance. Last evaluated: 2015-03-02. Review status: criteria provided, single submitter. Criteria: EGL Classification Definitions 2015. Collection method: clinical testing. Allele origin: germline. Observed: 1 variant allele, 1 heterozygote.